The following is an entry in ClinVar:

ClinVar aggregate classification (germline): Uncertain significance (1 of 4 stars; one submission).

Conditions:
Infantile-onset ascending hereditary spastic paralysis (IAHSP). Also called: Infantile-Onset Ascending Hereditary Spastic Paralysis (IAHSP); Autosomal Recessive Juvenile Amyotrophic Lateral Sclerosis. Identifiers: Orphanet 293168, MedGen C2931441, MONDO:0011797, OMIM 607225. Disease mechanism: loss of function.

Allele frequency attached by ClinVar (database versions not stated): gnomAD 0.00001; gnomAD exomes 0.00001; TOPMed 0.00001; ExAC 0.00002; ESP Exome Variant Server 0.00008.
gnomAD v4.1: 3 of 1,613,972 alleles (0.00019%); highest among the groups gnomAD compares: Non-Finnish European, 0.00025%; no homozygotes.

Submission:

Labcorp Genetics (formerly Invitae), Labcorp
Classification: Uncertain significance for Infantile-onset ascending hereditary spastic paralysis. Last evaluated: 2022-07-29. Review status: criteria provided, single submitter. Criteria: Invitae Variant Classification Sherloc (09022015). Collection method: clinical testing. Allele origin: germline.
Comment: This sequence change replaces isoleucine, which is neutral and non-polar, with valine, which is neutral and non-polar, at codon 1503 of the ALS2 protein (p.Ile1503Val). This variant is present in population databases (rs373792828, gnomAD 0.002%). This variant has not been reported in the literature in individuals affected with ALS2-related conditions. ClinVar contains an entry for this variant (Variation ID: 1397289). Algorithms developed to predict the effect of missense changes on protein structure and function output the following: SIFT: "Tolerated"; PolyPhen-2: "Benign"; Align-GVGD: "Class C0". The valine amino acid residue is found in multiple mammalian species, which suggests that this missense change does not adversely affect protein function. In summary, the available evidence is currently insufficient to determine the role of this variant in disease. Therefore, it has been classified as a Variant of Uncertain Significance.

NM_020919.4(ALS2):c.4507A>G (p.Ile1503Val)

Gene: ALS2 (alsin Rho guanine nucleotide exchange factor ALS2; minus strand). Cytogenetic location: 2q33.1.
Variant type: single nucleotide variant.
Coding change: c.4507A>G on transcript NM_020919.4 (MANE Select); coding-DNA position 4507, A replaced by G.
Protein change: p.Ile1503Val; replaces isoleucine 1503 with valine.
Molecular consequence: missense variant.
Genome position (GRCh38, 1-based): chr2:201,706,919, T>C on the plus strand (A>G on the coding strand, the complement: ALS2 is on the minus strand). VCF-style: chr2-201706919-T-C. GRCh37 (hg19) VCF-style: chr2-202571642-T-C.
Other names: short protein forms I1503V.
Identifiers: ClinVar variation 1397289 (VCV001397289.5), dbSNP rs373792828, ClinGen allele CA2057556.